The following is an entry in ClinVar:

NM_001135556.2(DYNC1I1):c.224-49C>G

Gene: DYNC1I1 (dynein cytoplasmic 1 intermediate chain 1; plus strand). Cytogenetic location: 7q21.3.
Variant type: single nucleotide variant.
Coding change: c.224-49C>G on transcript NM_001135556.2 (MANE Select); 49 bases into the intron before coding-DNA position 224, C replaced by G.
Molecular consequence: intron variant. On other transcripts: missense variant (2).
Genome position (GRCh38, 1-based): chr7:95,813,198, C>G. VCF-style: chr7-95813198-C-G. GRCh37 (hg19) VCF-style: chr7-95442510-C-G.
Other names: c.226C>G, p.Gln76Glu (NM_001278421.2, NM_004411.5); c.224-49C>G (NM_001278422.2, NM_001135557.2); short protein forms Q76E.
Identifiers: ClinVar variation 730484 (VCV000730484.11), dbSNP rs117676704, ClinGen allele CA4352150.

ClinVar aggregate classification (germline): Benign. Review status: criteria provided, single submitter (1 of 4 stars). 2 submissions from 2 submitters: Benign (1). 1 of the submissions does not count toward it. Last evaluated 2025-10-22.

Conditions:
DYNC1I1-related disorder. Also called: DYNC1I1-related condition.

Allele frequency attached by ClinVar (database versions not stated): TOPMed 0.00067; ESP Exome Variant Server 0.00077; 1000 Genomes Project 30x 0.00172; 1000 Genomes Project 0.00220; gnomAD 0.00407 and 0.00414; gnomAD exomes 0.00497; ExAC 0.00509.
gnomAD v4.1: 3,880 of 1,611,400 alleles (0.24%); highest among the groups gnomAD compares: Middle Eastern, 0.099%; 85 homozygotes.

Submissions (2):

Labcorp Genetics (formerly Invitae), Labcorp
Classification: Benign. Last evaluated: 2025-10-22. Review status: criteria provided, single submitter. Criteria: Invitae Variant Classification Sherloc (09022015). Collection method: clinical testing. Allele origin: germline.

PreventionGenetics, part of Exact Sciences
Classification: Benign for DYNC1I1-related condition. Last evaluated: 2019-05-24. Review status: no assertion criteria provided. Collection method: clinical testing. Allele origin: germline. Not counted in ClinVar's aggregate classification.
Comment: This variant is classified as benign based on ACMG/AMP sequence variant interpretation guidelines (Richards et al. 2015 PMID: 25741868, with internal and published modifications).